The following is an entry in ClinVar:

ClinVar aggregate classification (germline): Uncertain significance (1 of 4 stars; one submission).

Conditions:
BAP1-related tumor predisposition syndrome (TPDS1). Also called: Tumor susceptibility linked to germline BAP1 mutations; BAP1 tumor predisposition syndrome; TUMOR PREDISPOSITION SYNDROME 1; COMMON Syndrome. Identifiers: Orphanet 289539, MedGen C3280492, MONDO:0013692, OMIM 614327.

Submission:

Labcorp Genetics (formerly Invitae), Labcorp
Classification: Uncertain significance for BAP1-related tumor predisposition syndrome. Last evaluated: 2022-05-14. Review status: criteria provided, single submitter. Criteria: Invitae Variant Classification Sherloc (09022015). Collection method: clinical testing. Allele origin: germline.
Comment: In summary, the available evidence is currently insufficient to determine the role of this variant in disease. Therefore, it has been classified as a Variant of Uncertain Significance. Variants that disrupt the consensus splice site are a relatively common cause of aberrant splicing (PMID: 17576681, 9536098). Algorithms developed to predict the effect of sequence changes on RNA splicing suggest that this variant may create or strengthen a splice site. This variant has not been reported in the literature in individuals affected with BAP1-related conditions. This variant is not present in population databases (gnomAD no frequency). This sequence change falls in intron 8 of the BAP1 gene. It does not directly change the encoded amino acid sequence of the BAP1 protein. It affects a nucleotide within the consensus splice site.

Literature cited by the submitters: PubMed 17576681; PubMed 9536098.

NM_004656.4(BAP1):c.659+4A>G

Gene: BAP1 (BRCA1 associated deubiquitinase 1; minus strand). Cytogenetic location: 3p21.1.
Variant type: single nucleotide variant.
Coding change: c.659+4A>G on transcript NM_004656.4 (MANE Select); 4 bases into the intron after coding-DNA position 659, A replaced by G.
Molecular consequence: intron variant.
Genome position (GRCh38, 1-based): chr3:52,406,825, T>C on the plus strand (A>G on the coding strand, the complement: BAP1 is on the minus strand). VCF-style: chr3-52406825-T-C. GRCh37 (hg19) VCF-style: chr3-52440841-T-C.
Identifiers: ClinVar variation 1994194 (VCV001994194.4), dbSNP rs2153227621, ClinGen allele CA2580070162.